The following is an entry in ClinVar:

ClinVar aggregate classification (germline): Uncertain significance (1 of 4 stars; one submission).

Conditions:
Inborn genetic diseases. Identifiers: MedGen C0950123, MeSH D030342.

Submission:

Ambry Genetics
Classification: Uncertain significance for Inborn genetic diseases. Last evaluated: 2022-02-02. Review status: criteria provided, single submitter. Criteria: Ambry Variant Classification Scheme 2023. Collection method: clinical testing. Allele origin: germline.
Comment: The c.5082_5093del12 (p.M1695_N1698del) alteration is located in exon 36 (coding exon 36) of the LAMA1 gene. This alteration consists of an in-frame deletion of 12 nucleotides between nucleotide positions c.5082 and c.5093, resulting in the deletion of <NA> residues. Based on insufficient or conflicting evidence, the clinical significance of this alteration remains unclear.

NM_005559.4(LAMA1):c.5082_5093del (p.Met1695_Asn1698del)

Gene: LAMA1 (laminin subunit alpha 1; minus strand). Cytogenetic location: 18p11.31.
Variant type: Deletion.
Coding change: c.5082_5093del on transcript NM_005559.4 (MANE Select); coding-DNA positions 5082 to 5093, 12 bases deleted (CATGCAACAGAA).
Protein change: p.Met1695_Asn1698del.
Molecular consequence: inframe deletion.
Genome position (GRCh38, 1-based): chr18:6,992,636-6,992,647, TTCTGTTGCATG deleted on the plus strand (CATGCAACAGAA on the coding strand, the reverse complement: LAMA1 is on the minus strand); deleting any 12 consecutive bases within chr18:6,992,636-6,992,652 gives the same sequence; the c. name uses the placement nearest the transcript's 3' end. VCF-style (leftmost placement, unchanged base first): chr18-6992635-ATTCTGTTGCATG-A. GRCh37 (hg19) VCF-style: chr18-6992634-ATTCTGTTGCATG-A.
Identifiers: ClinVar variation 2228944 (VCV002228944.2), dbSNP rs772151927, ClinGen allele CA8881703.